The following is an entry in ClinVar:

NM_001170629.2(CHD8):c.7600C>A (p.Leu2534Met)

Gene: CHD8 (chromodomain helicase DNA binding protein 8; minus strand). Cytogenetic location: 14q11.2.
Variant type: single nucleotide variant.
Coding change: c.7600C>A on transcript NM_001170629.2 (MANE Select); coding-DNA position 7600, C replaced by A.
Protein change: p.Leu2534Met; replaces leucine 2534 with methionine.
Molecular consequence: missense variant.
Genome position (GRCh38, 1-based): chr14:21,385,759, G>T on the plus strand (C>A on the coding strand, the complement: CHD8 is on the minus strand). VCF-style: chr14-21385759-G-T. GRCh37 (hg19) VCF-style: chr14-21853918-G-T.
Other names: c.6763C>A, p.Leu2255Met (NM_020920.4); short protein forms L2255M, L2534M.
Identifiers: ClinVar variation 1716512 (VCV001716512.5), dbSNP rs906959238, ClinGen allele CA388874671.
Genomic context (GRCh38, chr14:21,385,759, plus strand): 5'-AGCCCTGAGATAAGTCATCATCATCTTCTTCATCCTCATCGTCATCCTCCTCAGGTTGCA[G>T]TGGTGGCAACCGCAAGGTAGTACCAGAGGCGGTAGTCACTGGTGAAGAGGGGTAGCCAGG-3'
Protein context (NP_001164100.1, residues 2524-2544): ASGTTLRLPP[Leu2534Met]QPEEDDDEDE

ClinVar aggregate classification (germline): Uncertain significance (1 of 4 stars; one submission).

Submission:

Labcorp Genetics (formerly Invitae), Labcorp
Classification: Uncertain significance. Last evaluated: 2024-10-07. Review status: criteria provided, single submitter. Criteria: Invitae Variant Classification Sherloc (09022015). Collection method: clinical testing. Allele origin: germline.
Comment: This sequence change replaces leucine, which is neutral and non-polar, with methionine, which is neutral and non-polar, at codon 2534 of the CHD8 protein (p.Leu2534Met). This variant is not present in population databases (gnomAD no frequency). This variant has not been reported in the literature in individuals affected with CHD8-related conditions. ClinVar contains an entry for this variant (Variation ID: 1716512). Invitae Evidence Modeling of protein sequence and biophysical properties (such as structural, functional, and spatial information, amino acid conservation, physicochemical variation, residue mobility, and thermodynamic stability) indicates that this missense variant is not expected to disrupt CHD8 protein function with a negative predictive value of 95%. In summary, the available evidence is currently insufficient to determine the role of this variant in disease. Therefore, it has been classified as a Variant of Uncertain Significance.